The following continues an entry in ClinVar:

NM_007294.4(BRCA1):c.2311T>C (p.Leu771=)

Gene: BRCA1. ClinVar aggregate classification (germline): Benign. Benign (1). ClinVar aggregate classification (somatic clinical impact): Tier IV - Benign/Likely benign.

Submissions 21 to 34 of 34:

Women's Health and Genetics/Laboratory Corporation of America, LabCorp
Classification: Benign for Hereditary breast ovarian cancer syndrome. Last evaluated: 2013-12-18. Review status: criteria provided, single submitter. Criteria: LabCorp Variant Classification Summary - May 2015. Collection method: clinical testing. Allele origin: germline. Not counted in ClinVar's aggregate classification.

Breakthrough Genomics
Classification: Benign. Review status: criteria provided, single submitter. Criteria: ACMG Guidelines, 2015. Collection method: not provided. Allele origin: germline. Inheritance: Autosomal recessive inheritance. Affected: yes. Not counted in ClinVar's aggregate classification.

GreenArray Genomic Research & Solutions of Accurate Diagnostic Private Limited
Classification: Benign for Breast-ovarian cancer, familial, susceptibility to, 1. Review status: criteria provided, single submitter. Criteria: ACMG Guidelines, 2015. Collection method: clinical testing. Allele origin: germline. Affected: no. Not counted in ClinVar's aggregate classification.

PreventionGenetics, part of Exact Sciences
Classification: Benign. Review status: criteria provided, single submitter. Criteria: ACMG Guidelines, 2015. Collection method: clinical testing. Allele origin: germline. Not counted in ClinVar's aggregate classification.

Mayo Clinic Laboratories, Mayo Clinic
Classification: Benign. Last evaluated: 2016-12-07. Review status: no assertion criteria provided. Collection method: clinical testing. Allele origin: unknown. Not counted in ClinVar's aggregate classification.

Counsyl
Classification: Benign for Breast-ovarian cancer, familial 1. Last evaluated: 2014-01-02. Review status: no assertion criteria provided. Collection method: literature only. Allele origin: unknown. Inheritance: Autosomal dominant inheritance. Not counted in ClinVar's aggregate classification.
Comment: High frequency in a 1kG or ESP population: 32.4 %. This submission and the accompanying classification are no longer maintained by the submitter.

Sharing Clinical Reports Project (SCRP)
Classification: Benign for Breast-ovarian cancer, familial 1. Last evaluated: 2011-03-22. Review status: no assertion criteria provided. Collection method: clinical testing. Allele origin: germline. Not counted in ClinVar's aggregate classification.

Breast Cancer Information Core (BIC) (BRCA1)
No classification provided. Condition: Breast-ovarian cancer, familial 1. Review status: no classification provided. Collection method: clinical testing. Allele origin: germline, unknown. Affected: yes. Observed: 658 variant alleles. Not counted in ClinVar's aggregate classification.

Clinical Genetics Laboratory, Department of Pathology, Netherlands Cancer Institute
Classification: Benign. Review status: no assertion criteria provided. Collection method: clinical testing. Allele origin: germline. Affected: yes. Study: VKGL Data-share Consensus. Not counted in ClinVar's aggregate classification.

Department of Pathology and Laboratory Medicine, Sinai Health System
Classification: Benign. Review status: no assertion criteria provided. Collection method: clinical testing. Allele origin: unknown. Affected: yes. Observed: 2 variant alleles. Study: The Canadian Open Genetics Repository (COGR). Not counted in ClinVar's aggregate classification.

Diagnostic Laboratory, Department of Genetics, University Medical Center Groningen
Classification: Benign for Breast-ovarian cancer, familial, susceptibility to, 1. Review status: no assertion criteria provided. Collection method: clinical testing. Allele origin: germline. Affected: yes. Study: VKGL Data-share Consensus. Not counted in ClinVar's aggregate classification.

Faculté Pluridciplinaire Nador, Université Mohamed Premier
Classification: Tier IV - Benign/Likely benign for Familial cancer of breast. Review status: no assertion criteria provided. Collection method: research. Allele origin: somatic. Affected: yes.
Comment: The following databases and algorithms are used to annotate and evaluate the impact of the variant in the context of human disease: 1000 genomes, gnomAD, ClinVar, OMIM, dbSNP, NCIB RefSeq Genes, ExAC Gene Constraints, VS-SIFT, VS-PolyPhen2, PhyloP, GERP++, GeneSplicer, MaxEntScan, NNSplice, PWM Splice Predictor.

Genomic Research Center, Shahid Beheshti University of Medical Sciences
No classification provided. Condition: Familial cancer of breast. Review status: no classification provided. Collection method: not provided. Allele origin: somatic. Not counted in ClinVar's aggregate classification.
ClinVar note: Converted during submission from untested to not provided.

Joint Genome Diagnostic Labs from Nijmegen and Maastricht, Radboudumc and MUMC+
Classification: Benign. Review status: no assertion criteria provided. Collection method: clinical testing. Allele origin: germline. Affected: yes. Study: VKGL Data-share Consensus. Not counted in ClinVar's aggregate classification.

Literature cited by the submitters: DOI 10.3389/fgene.2022.834265 (cited by National Health Laboratory Service, Universitas Academic Hospital and University of the Free State); PubMed 36329109 (cited by Genetics Program, Instituto Nacional de Cancer); PubMed 20104584 (cited by Women's Health and Genetics/Laboratory Corporation of America, LabCorp); PubMed 21702907 (cited by Women's Health and Genetics/Laboratory Corporation of America, LabCorp); Konstantopoulou et al, Hu Mut 2000 (cited by Breast Cancer Information Core (BIC) (BRCA1)); Ladopolou-et-al.,-Cancer-Lett,-185:61,-2002 (cited by Breast Cancer Information Core (BIC) (BRCA1)).